The following is an entry in ClinVar:

NM_007118.4(TRIO):c.5134C>A (p.Pro1712Thr)

Gene: TRIO (trio Rho guanine nucleotide exchange factor; plus strand). Cytogenetic location: 5p15.2.
Variant type: single nucleotide variant.
Coding change: c.5134C>A on transcript NM_007118.4 (MANE Select); coding-DNA position 5134, C replaced by A.
Protein change: p.Pro1712Thr; replaces proline 1712 with threonine.
Molecular consequence: missense variant. On other transcripts: non-coding transcript variant (1).
Genome position (GRCh38, 1-based): chr5:14,419,952, C>A. VCF-style: chr5-14419952-C-A. GRCh37 (hg19) VCF-style: chr5-14420061-C-A.
Other names: short protein forms P1712T.
Identifiers: ClinVar variation 3361696 (VCV003361696.1).

ClinVar aggregate classification (germline): Uncertain significance (1 of 4 stars; one submission).

Submission:

GeneDx
Classification: Uncertain significance. Last evaluated: 2023-07-30. Review status: criteria provided, single submitter. Criteria: GeneDx Variant Classification Process June 2021. Collection method: clinical testing. Allele origin: germline. Affected: yes.
Comment: Not observed at significant frequency in large population cohorts (gnomAD); In silico analysis supports that this missense variant has a deleterious effect on protein structure/function; Has not been previously published as pathogenic or benign to our knowledge